The following is an entry in ClinVar:

ClinVar aggregate classification (germline): Pathogenic (0 of 4 stars; one submission).

Conditions:
Pyruvate dehydrogenase E1-alpha deficiency (PDHAD). Also called: ATAXIA, INTERMITTENT, WITH PYRUVATE DEHYDROGENASE DEFICIENCY; ATAXIA WITH LACTIC ACIDOSIS I; ATAXIA, INTERMITTENT, WITH ABNORMAL PYRUVATE METABOLISM; Ataxia, intermittent, with pyruvate dehydrogenase, or decarboxylase, deficiency. Identifiers: Orphanet 79243, MedGen C1839413, MONDO:0010717, OMIM 312170.

Submission:

PDHA1 Study Group, University Children’s Hospital, Paracelsus Medical University
Classification: Pathogenic for Pyruvate dehydrogenase E1-alpha deficiency. Last evaluated: 2024-10-15. Review status: no assertion criteria provided. Collection method: research. Allele origin: germline. Affected: yes. Observed: 1 variant allele.
Comment: The NM_000284.3:c.1119_1123del (p.Pro374_Phe375delinsTer) change is a nonsense variant in PDHA1 gene. This variant is predicted to escape nonsense-mediated decay (NMD). Last literature search: July 12, 2024. This variant is absent or extremely rare in population-based cohorts in the Genome Aggregation Database (gnomAD). Individuals harboring this variant presented with clinical features compatible with PDHA1-related PDHc deficiency. In summary, this variant meets criteria to be classified as likely pathogenic (LP) for PDHA1-related PDHc deficiency based on the ACMG/AMP criteria applied: PM1, PM2, PM4, PM7 (last assessment October 15, 2024).

Literature cited by the submitters: DOI 10.1093/brain/awaf430.

NM_000284.4(PDHA1):c.1119_1123del (p.Pro373_Pro374insTer)

Gene: PDHA1 (pyruvate dehydrogenase E1 subunit alpha 1; plus strand). Cytogenetic location: Xp22.12.
Variant type: Deletion.
Coding change: c.1119_1123del on transcript NM_000284.4 (MANE Select); coding-DNA positions 1119 to 1123, 5 bases deleted (ACCTT; older notation c.1119_1123delACCTT).
Protein change: p.Pro373_Pro374insTer.
Molecular consequence: frameshift variant.
Genome position (GRCh38, 1-based): chrX:19,359,599-19,359,603, ACCTT deleted. VCF-style (leftmost placement, unchanged base first): chrX-19359598-CACCTT-C. GRCh37 (hg19) VCF-style: chrX-19377716-CACCTT-C.
Other names: c.1233_1237del, p.Pro411_Pro412insTer (NM_001173454.2); c.1140_1144del, p.Pro380_Pro381insTer (NM_001173455.2); c.1026_1030del, p.Pro342_Pro343insTer (NM_001173456.2).
Identifiers: ClinVar variation 4070460 (VCV004070460.1).